The following is an entry in ClinVar:

ClinVar aggregate classification (germline): Uncertain significance. Review status: criteria provided, multiple submitters, no conflicts (2 of 4 stars). 4 submissions from 4 submitters: Uncertain significance (4). Last evaluated 2024-09-27.

Conditions:
Hereditary cancer-predisposing syndrome. Also called: Neoplastic Syndromes, Hereditary; Hereditary Cancer Syndrome; Hereditary neoplastic syndrome; Tumor predisposition. Identifiers: Orphanet 140162, MedGen C0027672, MeSH D009386, MONDO:0015356.
Neurofibromatosis, type 2 (SWNV). Also called: BILATERAL ACOUSTIC NEUROFIBROMATOSIS; SCHWANNOMATOSIS, VESTIBULAR; NF2-Related Schwannomatosis. Identifiers: Orphanet 637, MedGen C0027832, MONDO:0007039, OMIM 101000. Disease mechanism: loss of function.

Allele frequency attached by ClinVar (database versions not stated): TOPMed 0.00002.
gnomAD v4.1: 12 of 1,614,024 alleles (0.00074%); highest among the groups gnomAD compares: Non-Finnish European, 0.001%; no homozygotes.

Submissions (4):

Labcorp Genetics (formerly Invitae), Labcorp
Classification: Uncertain significance for Neurofibromatosis, type 2. Last evaluated: 2024-09-27. Review status: criteria provided, single submitter. Criteria: Invitae Variant Classification Sherloc (09022015). Collection method: clinical testing. Allele origin: germline.
Comment: This sequence change replaces glycine, which is neutral and non-polar, with cysteine, which is neutral and slightly polar, at codon 218 of the NF2 protein (p.Gly218Cys). The frequency data for this variant in the population databases is considered unreliable, as metrics indicate poor data quality at this position in the gnomAD database. This variant has not been reported in the literature in individuals affected with NF2-related conditions. ClinVar contains an entry for this variant (Variation ID: 1014785). Invitae Evidence Modeling of protein sequence and biophysical properties (such as structural, functional, and spatial information, amino acid conservation, physicochemical variation, residue mobility, and thermodynamic stability) indicates that this missense variant is expected to disrupt NF2 protein function with a positive predictive value of 80%. In summary, the available evidence is currently insufficient to determine the role of this variant in disease. Therefore, it has been classified as a Variant of Uncertain Significance.

Ambry Genetics
Classification: Uncertain significance for Hereditary cancer-predisposing syndrome. Last evaluated: 2024-07-15. Review status: criteria provided, single submitter. Criteria: Ambry Variant Classification Scheme 2023. Collection method: clinical testing. Allele origin: germline.
Comment: The p.G218C variant (also known as c.652G>T), located in coding exon 7 of the NF2 gene, results from a G to T substitution at nucleotide position 652. The glycine at codon 218 is replaced by cysteine, an amino acid with highly dissimilar properties. This amino acid position is highly conserved in available vertebrate species. In addition, this alteration is predicted to be deleterious by in silico analysis. Since supporting evidence is limited at this time, the clinical significance of this alteration remains unclear.

All of Us Research Program, National Institutes of Health
Classification: Uncertain significance for Neurofibromatosis, type 2. Last evaluated: 2023-11-30. Review status: criteria provided, single submitter. Criteria: ACMG Guidelines, 2015. Collection method: clinical testing. Allele origin: germline. Inheritance: Autosomal dominant inheritance. Observed: 2 variant alleles, 2 heterozygotes.
Comment: This study involves interpretation of variants in research participants for the purpose of population health screening. Participant phenotype was not available at the time of variant classification. Additional details can be found in publication PMID: 35346344, PMCID: PMC8962531

GeneDx
Classification: Uncertain significance. Last evaluated: 2023-01-24. Review status: criteria provided, single submitter. Criteria: GeneDx Variant Classification Process June 2021. Collection method: clinical testing. Allele origin: germline. Affected: yes.
Comment: In silico analysis supports that this missense variant has a deleterious effect on protein structure/function; Has not been previously published as pathogenic or benign to our knowledge; This variant is associated with the following publications: (PMID: 11756419, 16324214, Javaid2021[Computational])

NM_000268.4(NF2):c.652G>T (p.Gly218Cys)

Gene: NF2 (NF2, moesin-ezrin-radixin like (MERLIN) tumor suppressor; plus strand). Cytogenetic location: 22q12.2.
Variant type: single nucleotide variant.
Coding change: c.652G>T on transcript NM_000268.4 (MANE Select); coding-DNA position 652, G replaced by T.
Protein change: p.Gly218Cys; replaces glycine 218 with cysteine.
Molecular consequence: missense variant. On other transcripts: non-coding transcript variant (1), intron variant (1).
Genome position (GRCh38, 1-based): chr22:29,658,241, G>T. VCF-style: chr22-29658241-G-T. GRCh37 (hg19) VCF-style: chr22-30054230-G-T.
Other names: c.652G>T, p.Gly218Cys (NM_016418.5, NM_181825.3, NM_181832.3); c.526G>T, p.Gly176Cys (NM_181828.3); c.529G>T, p.Gly177Cys (NM_181829.3); c.403G>T, p.Gly135Cys (NM_181830.3, NM_181831.3); c.447+15956G>T (NM_181833.3); short protein forms G135C, G176C, G177C, G218C.
Identifiers: ClinVar variation 1014785 (VCV001014785.13), dbSNP rs776818377, ClinGen allele CA411143087.